The following is an entry in ClinVar:

ClinVar aggregate classification (germline): Pathogenic (1 of 4 stars; one submission).

Submission:

Labcorp Genetics (formerly Invitae), Labcorp
Classification: Pathogenic. Last evaluated: 2024-07-19. Review status: criteria provided, single submitter. Criteria: Invitae Variant Classification Sherloc (09022015). Collection method: clinical testing. Allele origin: germline.
Comment: This sequence change creates a premature translational stop signal (p.Leu580Profs*4) in the ADCY10 gene. It is expected to result in an absent or disrupted protein product. Loss-of-function variants in ADCY10 are known to be pathogenic (PMID: 31119281). This variant is not present in population databases (gnomAD no frequency). This variant has not been reported in the literature in individuals affected with ADCY10-related conditions. Algorithms developed to predict the effect of sequence changes on RNA splicing suggest that this variant may disrupt the consensus splice site. For these reasons, this variant has been classified as Pathogenic.

Literature cited by the submitters: PubMed 31119281.

NM_018417.6(ADCY10):c.1738dup (p.Leu580fs)

Gene: ADCY10 (adenylate cyclase 10; minus strand). Cytogenetic location: 1q24.2.
Variant type: Duplication.
Coding change: c.1738dup on transcript NM_018417.6 (MANE Select); coding-DNA position 1738, one base duplicated (C; older notation c.1738dupC).
Protein change: p.Leu580fs; shifts the reading frame from leucine 580.
Molecular consequence: frameshift variant.
Genome position (GRCh38, 1-based): chr1:167,860,942, G duplicated on the plus strand (C on the coding strand, the reverse complement: ADCY10 is on the minus strand); the first of 2 consecutive G bases (chr1:167,860,942-167,860,943); duplicating either gives the same sequence. VCF-style (leftmost placement, unchanged base first): chr1-167860941-A-AG. GRCh37 (hg19) VCF-style: chr1-167830179-A-AG.
Other names: c.1279dup, p.Leu427fs (NM_001167749.3); c.1462dup, p.Leu488fs (NM_001297772.2); short protein forms L427fs, L580fs, L488fs.
Identifiers: ClinVar variation 3659936 (VCV003659936.2).
Genomic context (GRCh38, chr1:167,860,941, plus strand): 5'-AAAATGTCATTAAGAAGACAGTAGAACTTTTCATCCAACAGTGTCATGACTTTATTTCGA[A>AG]GGTTGGTCTGTCGTTCTTTATAATGTTTACAAGTGTCTAGGCCTAGGACATTGGCCATGA-3'